The following is an entry in ClinVar:

ClinVar aggregate classification (germline): Pathogenic (1 of 4 stars; one submission).

Conditions:
Familial cancer of breast. Also called: hereditary breast carcinoma; Hereditary breast cancer; BREAST CANCER, FAMILIAL. Identifiers: Orphanet 227535, MedGen C0346153, MONDO:0016419, OMIM 114480. Disease mechanism: loss of function.

Submission:

Labcorp Genetics (formerly Invitae), Labcorp
Classification: Pathogenic for Familial cancer of breast. Last evaluated: 2018-10-18. Review status: criteria provided, single submitter. Criteria: Invitae Variant Classification Sherloc (09022015). Collection method: clinical testing. Allele origin: germline.
Comment: For these reasons, this variant has been classified as Pathogenic. Loss-of-function variants in CHEK2 are known to be pathogenic (PMID: 21876083, 24713400). This variant has not been reported in the literature in individuals with CHEK2-related disease. This variant is not present in population databases (ExAC no frequency). This sequence change creates a premature translational stop signal (p.Lys224*) in the CHEK2 gene. It is expected to result in an absent or disrupted protein product.

Literature cited by the submitters: PubMed 21876083; PubMed 24713400.

NM_007194.4(CHEK2):c.668_669insTTGACTGTAGATGATCAGTCAGTTTATCCTAAGGCATTAAGAGATGAATACATCATGTC (p.Ser223_Lys224insTer)

Gene: CHEK2 (checkpoint kinase 2; minus strand). Cytogenetic location: 22q12.1.
Variant type: Insertion.
Coding change: c.668_669insTTGACTGTAGATGATCAGTCAGTTTATCCTAAGGCATTAAGAGATGAATACATCATGTC on transcript NM_007194.4 (MANE Select); coding-DNA positions 668 to 669, TTGACTGTAGATGATCAGTCAGTTTATCCTAAGGCATTAAGAGATGAATACATCATGTC inserted.
Protein change: p.Ser223_Lys224insTer.
Molecular consequence: nonsense, inframe insertion. On other transcripts: initiator codon variant (2), intron variant (1).
Genome position: GRCh38: chr22:28,719,467-28,719,468. GRCh37 (hg19): chr22:29,115,455-29,115,456.
Other names: c.797_798insTTGACTGTAGATGATCAGTCAGTTTATCCTAAGGCATTAAGAGATGAATACATCATGTC, p.Ser266_Lys267insTer (NM_001005735.3, NM_001438294.1); c.5_6insTTGACTGTAGATGATCAGTCAGTTTATCCTAAGGCATTAAGAGATGAATACATCATGTC, p.Ser2_Lys3insTer (NM_001257387.3, NM_001437942.1); c.761_762insTTGACTGTAGATGATCAGTCAGTTTATCCTAAGGCATTAAGAGATGAATACATCATGTC, p.Ser254_Lys255insTer (NM_001438293.1, NM_001438295.1); c.668_669insTTGACTGTAGATGATCAGTCAGTTTATCCTAAGGCATTAAGAGATGAATACATCATGTC, p.Ser223_Lys224insTer (NM_145862.3); c.482+5476_482+5477insTGACTGTAGATGATCAGTCAGTTTATCCTAAGGCATTAAGAGATGAATACATCATGTCT (NM_001349956.3).
Identifiers: ClinVar variation 1076802 (VCV001076802.8), dbSNP rs2146005039, ClinGen allele CA2499226089.